The following is an entry in ClinVar:

NM_001408.3(CELSR2):c.3739C>A (p.Leu1247Met)

Gene: CELSR2 (cadherin EGF LAG seven-pass G-type receptor 2; plus strand). Cytogenetic location: 1p13.3.
Variant type: single nucleotide variant.
Coding change: c.3739C>A on transcript NM_001408.3 (MANE Select); coding-DNA position 3739, C replaced by A.
Protein change: p.Leu1247Met; replaces leucine 1247 with methionine.
Molecular consequence: missense variant.
Genome position (GRCh38, 1-based): chr1:109,258,860, C>A. VCF-style: chr1-109258860-C-A. GRCh37 (hg19) VCF-style: chr1-109801482-C-A.
Other names: short protein forms L1247M.
Identifiers: ClinVar variation 2349022 (VCV002349022.5), dbSNP rs747057332, ClinGen allele CA987006.

ClinVar aggregate classification (germline): Uncertain significance. Review status: criteria provided, multiple submitters, no conflicts (2 of 4 stars). 2 submissions from 2 submitters: Uncertain significance (2). Last evaluated 2025-11-26.

Allele frequency attached by ClinVar (database versions not stated): ExAC 0.00005; gnomAD exomes 0.00006; gnomAD 0.00007.
gnomAD v4.1: 107 of 1,612,318 alleles (0.0066%); highest among the groups gnomAD compares: Non-Finnish European, 0.0082%; no homozygotes.

Submissions (2):

Ambry Genetics
Classification: Uncertain significance. Last evaluated: 2025-11-26. Review status: criteria provided, single submitter. Criteria: Ambry Variant Classification Scheme 2023. Collection method: clinical testing. Allele origin: germline.

Labcorp Genetics (formerly Invitae), Labcorp
Classification: Uncertain significance. Last evaluated: 2024-06-08. Review status: criteria provided, single submitter. Criteria: Invitae Variant Classification Sherloc (09022015). Collection method: clinical testing. Allele origin: germline.
Comment: This sequence change replaces leucine, which is neutral and non-polar, with methionine, which is neutral and non-polar, at codon 1247 of the CELSR2 protein (p.Leu1247Met). The frequency data for this variant in the population databases is considered unreliable, as metrics indicate poor data quality at this position in the gnomAD database. This variant has not been reported in the literature in individuals affected with CELSR2-related conditions. ClinVar contains an entry for this variant (Variation ID: 2349022). Advanced modeling of protein sequence and biophysical properties (such as structural, functional, and spatial information, amino acid conservation, physicochemical variation, residue mobility, and thermodynamic stability) performed at Invitae indicates that this missense variant is expected to disrupt CELSR2 protein function with a positive predictive value of 80%. In summary, the available evidence is currently insufficient to determine the role of this variant in disease. Therefore, it has been classified as a Variant of Uncertain Significance.